The following is an entry in ClinVar:

NM_000137.4(FAH):c.1022G>A (p.Arg341Gln)

Gene: FAH (fumarylacetoacetate hydrolase; plus strand). Cytogenetic location: 15q25.1.
Variant type: single nucleotide variant.
Coding change: c.1022G>A on transcript NM_000137.4 (MANE Select); coding-DNA position 1022, G replaced by A.
Protein change: p.Arg341Gln; replaces arginine 341 with glutamine.
Molecular consequence: missense variant.
Genome position (GRCh38, 1-based): chr15:80,180,185, G>A. VCF-style: chr15-80180185-G-A. GRCh37 (hg19) VCF-style: chr15-80472527-G-A.
Other names: c.1022G>A, p.Arg341Gln (NM_001374377.1, NM_001374380.1); c.1022G>A (NM_000137.2); short protein forms R341Q.
Identifiers: ClinVar variation 598073 (VCV000598073.10), dbSNP rs903038605, ClinGen allele CA274033545.

ClinVar aggregate classification (germline): Uncertain significance. Review status: criteria provided, multiple submitters, no conflicts (2 of 4 stars). 5 submissions from 5 submitters: Uncertain significance (4). 1 of the submissions does not count toward it. Last evaluated 2026-02-09.

Conditions:
Inborn genetic diseases. Identifiers: MedGen C0950123, MeSH D030342.
FAH-related disorder. Also called: FAH-related condition.
Tyrosinemia type I (TYRSN1). Also called: FAH DEFICIENCY; Deficiency of fumarylacetoacetase; HEPATORENAL TYROSINEMIA; Tyrosinemia type 1; Fumarylacetoacetase deficiency. Identifiers: Orphanet 882, MedGen C0268490, MONDO:0010161, OMIM 276700. Disease mechanism: loss of function.

Allele frequency attached by ClinVar (database versions not stated): gnomAD exomes 0.00001 and 0.00003; gnomAD 0.00003 and 0.00004; TOPMed 0.00004.

Submissions (5):

PreventionGenetics, part of Exact Sciences
Classification: Uncertain significance for FAH-related condition. Last evaluated: 2026-02-09. Review status: criteria provided, single submitter. Criteria: ACMG Guidelines, 2015. Collection method: clinical testing. Allele origin: germline.
Comment: The FAH c.1022G>A variant is predicted to result in the amino acid substitution p.Arg341Gln. To our knowledge, this variant has not been reported in the literature. This variant is reported in 0.0028% of alleles in individuals of Latino descent in gnomAD. At this time, the clinical significance of this variant is uncertain due to the absence of conclusive functional and genetic evidence.

Ambry Genetics
Classification: Uncertain significance for Inborn genetic diseases. Last evaluated: 2023-09-26. Review status: criteria provided, single submitter. Criteria: Ambry Variant Classification Scheme 2023. Collection method: clinical testing. Allele origin: germline.

Labcorp Genetics (formerly Invitae), Labcorp
Classification: Uncertain significance for Tyrosinemia type I. Last evaluated: 2021-09-01. Review status: criteria provided, single submitter. Criteria: Invitae Variant Classification Sherloc (09022015). Collection method: clinical testing. Allele origin: germline.
Comment: This sequence change replaces arginine with glutamine at codon 341 of the FAH protein (p.Arg341Gln). The arginine residue is highly conserved and there is a small physicochemical difference between arginine and glutamine. This variant is not present in population databases (ExAC no frequency). This variant has not been reported in the literature in individuals affected with FAH-related conditions. ClinVar contains an entry for this variant (Variation ID: 598073). Algorithms developed to predict the effect of missense changes on protein structure and function output the following: SIFT: "Deleterious"; PolyPhen-2: "Benign"; Align-GVGD: "Class C35". The glutamine amino acid residue is found in multiple mammalian species, which suggests that this missense change does not adversely affect protein function. Algorithms developed to predict the effect of sequence changes on RNA splicing suggest that this variant may create or strengthen a splice site. In summary, the available evidence is currently insufficient to determine the role of this variant in disease. Therefore, it has been classified as a Variant of Uncertain Significance.

Eurofins Ntd Llc (ga)
Classification: Uncertain significance. Last evaluated: 2018-07-17. Review status: criteria provided, single submitter. Criteria: EGL ClinVar v180209 classification definitions. Collection method: clinical testing. Allele origin: germline. Observed: 1 variant allele, 1 heterozygote.

Natera, Inc.
Classification: Uncertain significance for Tyrosinemia type I. Last evaluated: 2020-04-24. Review status: no assertion criteria provided. Collection method: clinical testing. Allele origin: germline. Not counted in ClinVar's aggregate classification.